The following is an entry in ClinVar:

NM_032444.4(SLX4):c.2057A>G (p.Asn686Ser)

Gene: SLX4 (SLX4 structure-specific endonuclease subunit; minus strand). Cytogenetic location: 16p13.3.
Variant type: single nucleotide variant.
Coding change: c.2057A>G on transcript NM_032444.4 (MANE Select); coding-DNA position 2057, A replaced by G.
Protein change: p.Asn686Ser; replaces asparagine 686 with serine.
Molecular consequence: missense variant.
Genome position (GRCh38, 1-based): chr16:3,594,556, T>C on the plus strand (A>G on the coding strand, the complement: SLX4 is on the minus strand). VCF-style: chr16-3594556-T-C. GRCh37 (hg19) VCF-style: chr16-3644557-T-C.
Other names: c.2057A>G (LRG_503t1); short protein forms N686S.
Identifiers: ClinVar variation 319168 (VCV000319168.19), dbSNP rs571330689, ClinGen allele CA7866301.

ClinVar aggregate classification (germline): Uncertain significance. Review status: criteria provided, multiple submitters, no conflicts (2 of 4 stars). 6 submissions from 6 submitters: Uncertain significance (6). Last evaluated 2026-01-27.

Conditions:
Fanconi anemia complementation group P. Also called: SLX4-Related Fanconi Anemia. Identifiers: Orphanet 84, MedGen C3469542, MONDO:0013499, OMIM 613951.
Fanconi anemia (FA). Also called: Fanconi's anemia. Identifiers: Orphanet 84, MedGen C0015625, MeSH D005199, MONDO:0019391.

Allele frequency attached by ClinVar (database versions not stated): gnomAD below 0.00001 and 0.00007; TOPMed 0.00001; gnomAD exomes 0.00008 and 0.00017; ExAC 0.00025; 1000 Genomes Project 30x 0.00125; 1000 Genomes Project 0.00140.

Submissions (6):

Labcorp Genetics (formerly Invitae), Labcorp
Classification: Uncertain significance for Fanconi anemia. Last evaluated: 2026-01-27. Review status: criteria provided, single submitter. Criteria: Invitae Variant Classification Sherloc (09022015). Collection method: clinical testing. Allele origin: germline.
Comment: This sequence change replaces asparagine, which is neutral and polar, with serine, which is neutral and polar, at codon 686 of the SLX4 protein (p.Asn686Ser). This variant is present in population databases (rs571330689, gnomAD 0.1%). This variant has not been reported in the literature in individuals affected with SLX4-related conditions. ClinVar contains an entry for this variant (Variation ID: 319168). An algorithm developed to predict the effect of missense changes on protein structure and function (PolyPhen-2) suggests that this variant is likely to be disruptive. In summary, the available evidence is currently insufficient to determine the role of this variant in disease. Therefore, it has been classified as a Variant of Uncertain Significance.

GeneDx
Classification: Uncertain significance. Last evaluated: 2025-01-19. Review status: criteria provided, single submitter. Criteria: GeneDx Variant Classification Process June 2021. Collection method: clinical testing. Allele origin: germline. Affected: yes.
Comment: In silico analysis supports that this missense variant has a deleterious effect on protein structure/function; Has not been previously published as pathogenic or benign to our knowledge

Blueprint Genetics
Classification: Uncertain significance. Last evaluated: 2024-09-06. Review status: criteria provided, single submitter. Criteria: ACMG Guidelines, 2015. Collection method: clinical testing. Allele origin: germline.

Fulgent Genetics
Classification: Uncertain significance for Fanconi anemia complementation group P. Last evaluated: 2022-05-16. Review status: criteria provided, single submitter. Criteria: ACMG Guidelines, 2015. Collection method: clinical testing. Allele origin: unknown.

Genetic Services Laboratory, University of Chicago
Classification: Uncertain significance. Last evaluated: 2019-11-25. Review status: criteria provided, single submitter. Criteria: ACMG Guidelines, 2015. Collection method: clinical testing. Allele origin: germline. Affected: no.

Illumina Laboratory Services, Illumina
Classification: Uncertain significance for Fanconi anemia complementation group P. Last evaluated: 2018-01-13. Review status: criteria provided, single submitter. Criteria: ICSL Variant Classification Criteria 13 December 2019. Collection method: clinical testing. Allele origin: germline.